The following is an entry in ClinVar:

NM_004304.5(ALK):c.4277T>C (p.Val1426Ala)

Gene: ALK (ALK receptor tyrosine kinase; minus strand). Cytogenetic location: 2p23.2.
Variant type: single nucleotide variant.
Coding change: c.4277T>C on transcript NM_004304.5 (MANE Select); coding-DNA position 4277, T replaced by C.
Protein change: p.Val1426Ala; replaces valine 1426 with alanine.
Molecular consequence: missense variant.
Genome position (GRCh38, 1-based): chr2:29,193,810, A>G on the plus strand (T>C on the coding strand, the complement: ALK is on the minus strand). VCF-style: chr2-29193810-A-G. GRCh37 (hg19) VCF-style: chr2-29416676-A-G.
Other names: c.1073T>C, p.Val358Ala (NM_001353765.2); short protein forms V358A, V1426A.
Identifiers: ClinVar variation 3524368 (VCV003524368.1).

ClinVar aggregate classification (germline): Uncertain significance (1 of 4 stars; one submission).

Conditions:
Hereditary cancer-predisposing syndrome. Also called: Hereditary Cancer Syndrome; Hereditary neoplastic syndrome; Tumor predisposition; Neoplastic Syndromes, Hereditary. Identifiers: Orphanet 140162, MedGen C0027672, MeSH D009386, MONDO:0015356.

Submission:

Ambry Genetics
Classification: Uncertain significance for Hereditary cancer-predisposing syndrome. Last evaluated: 2024-08-18. Review status: criteria provided, single submitter. Criteria: Ambry Variant Classification Scheme 2023. Collection method: clinical testing. Allele origin: germline.
Comment: The p.V1426A variant (also known as c.4277T>C), located in coding exon 29 of the ALK gene, results from a T to C substitution at nucleotide position 4277. The valine at codon 1426 is replaced by alanine, an amino acid with similar properties. This amino acid position is conserved. In addition, the in silico prediction for this alteration is inconclusive. Based on the available evidence, the clinical significance of this variant remains unclear.